The following is an entry in ClinVar:

ClinVar aggregate classification (germline): Likely benign. Review status: criteria provided, multiple submitters, no conflicts (2 of 4 stars). 3 submissions from 3 submitters: Likely benign (3). Last evaluated 2026-02-01.

Conditions:
Genitopatellar syndrome (GTPTS). Also called: Genitopatellar syndrome (GPS); ABSENT PATELLAE, SCROTAL HYPOPLASIA, RENAL ANOMALIES, FACIAL DYSMORPHISM, AND MENTAL RETARDATION. Identifiers: Orphanet 85201, MedGen C1853566, MONDO:0011640, OMIM 606170.

Allele frequency attached by ClinVar (database versions not stated): gnomAD 0.00009; gnomAD exomes 0.00009 and 0.00015; ExAC 0.00012; TOPMed 0.00012.
gnomAD v4.1: 232 of 1,613,202 alleles (0.014%); highest among the groups gnomAD compares: Non-Finnish European, 0.019%; no homozygotes.

Submissions (3):

CeGaT Center for Human Genetics Tuebingen
Classification: Likely benign. Last evaluated: 2026-02-01. Review status: criteria provided, single submitter. Criteria: CeGaT Center For Human Genetics Tuebingen Variant Classification Criteria Version 2. Collection method: clinical testing. Allele origin: germline. Affected: yes. Observed: 1 variant allele.
Comment: KAT6B: BS1

Labcorp Genetics (formerly Invitae), Labcorp
Classification: Likely benign for Genitopatellar syndrome. Last evaluated: 2026-01-19. Review status: criteria provided, single submitter. Criteria: Invitae Variant Classification Sherloc (09022015). Collection method: clinical testing. Allele origin: germline.

GeneDx
Classification: Likely benign. Last evaluated: 2020-12-07. Review status: criteria provided, single submitter. Criteria: GeneDx Variant Classification Process June 2021. Collection method: clinical testing. Allele origin: germline. Affected: yes.

NM_012330.4(KAT6B):c.3326C>T (p.Ser1109Phe)

Gene: KAT6B (lysine acetyltransferase 6B; plus strand). Cytogenetic location: 10q22.2.
Variant type: single nucleotide variant.
Coding change: c.3326C>T on transcript NM_012330.4 (MANE Select); coding-DNA position 3326, C replaced by T.
Protein change: p.Ser1109Phe; replaces serine 1109 with phenylalanine.
Molecular consequence: missense variant.
Genome position (GRCh38, 1-based): chr10:75,022,185, C>T. VCF-style: chr10-75022185-C-T. GRCh37 (hg19) VCF-style: chr10-76781943-C-T.
Other names: c.2777C>T, p.Ser926Phe (NM_001256468.2, NM_001370138.1); c.2450C>T, p.Ser817Phe (NM_001256469.2, NM_001370139.1, NM_001370140.1 and 2 more transcripts); c.2288C>T, p.Ser763Phe (NM_001370132.1); c.1637C>T, p.Ser546Phe (NM_001370133.1); c.1241C>T, p.Ser414Phe (NM_001370134.1); c.983C>T, p.Ser328Phe (NM_001370135.1); c.3326C>T, p.Ser1109Phe (NM_001370136.1, NM_001370137.1); c.2261C>T, p.Ser754Phe (NM_001370143.1, NM_001370144.1); short protein forms S1109F, S328F, S414F, S546F, S754F, S763F, S817F, S926F.
Identifiers: ClinVar variation 1011199 (VCV001011199.18), dbSNP rs199963389, ClinGen allele CA5564796.
Genomic context (GRCh38, chr10:75,022,185, plus strand): 5'-AGGATGAAGAGGAGGAAGAAGAGGAAGAAGAAGAAGAAGAAGAAGAAAATATTCAAAGCT[C>T]TCCCCCAAGATTGACGAAACCACAGTCAGTTGCCATAAAGAGAAAGGTAGGTGTCTGTTT-3'
Protein context (NP_036462.2, residues 1099-1119): EEEEEENIQS[Ser1109Phe]PPRLTKPQSV